The following is an entry in ClinVar:

ClinVar aggregate classification (germline): Uncertain significance (1 of 4 stars; one submission).

Conditions:
Early-onset Lafora body disease. Also called: Epilepsy, progressive myoclonic, 10. Identifiers: Orphanet 324290, MedGen C4225258, MONDO:0014717, OMIM 616640.

Allele frequency attached by ClinVar (database versions not stated): TOPMed below 0.00001; gnomAD 0.00001; gnomAD exomes 0.00002.
gnomAD v4.1: 15 of 1,530,210 alleles (0.00098%); highest among the groups gnomAD compares: East Asian, 0.033%; no homozygotes.

Submission:

Labcorp Genetics (formerly Invitae), Labcorp
Classification: Uncertain significance for Early-onset Lafora body disease. Last evaluated: 2021-09-01. Review status: criteria provided, single submitter. Criteria: Invitae Variant Classification Sherloc (09022015). Collection method: clinical testing. Allele origin: germline.
Comment: This sequence change replaces glutamine with arginine at codon 518 of the PRDM8 protein (p.Gln518Arg). The glutamine residue is moderately conserved and there is a small physicochemical difference between glutamine and arginine. The frequency data for this variant in the population databases is considered unreliable, as metrics indicate insufficient coverage at this position in the ExAC database. This variant has not been reported in the literature in individuals affected with PRDM8-related conditions. Algorithms developed to predict the effect of missense changes on protein structure and function (SIFT, PolyPhen-2, Align-GVGD) all suggest that this variant is likely to be tolerated. In summary, the available evidence is currently insufficient to determine the role of this variant in disease. Therefore, it has been classified as a Variant of Uncertain Significance.

NM_001099403.2(PRDM8):c.1553A>G (p.Gln518Arg)

Genes: PRDM8 (PR/SET domain 8; plus strand), LOC129992745 (ATAC-STARR-seq lymphoblastoid silent region 15522; plus strand). Cytogenetic location: 4q21.21.
Variant type: single nucleotide variant.
Coding change: c.1553A>G on transcript NM_001099403.2 (MANE Select); coding-DNA position 1553, A replaced by G.
Protein change: p.Gln518Arg; replaces glutamine 518 with arginine.
Molecular consequence: missense variant.
Genome position (GRCh38, 1-based): chr4:80,203,015, A>G. VCF-style: chr4-80203015-A-G. GRCh37 (hg19) VCF-style: chr4-81124169-A-G.
Other names: c.1553A>G, p.Gln518Arg (NM_020226.4); short protein forms Q518R.
Identifiers: ClinVar variation 940145 (VCV000940145.3), dbSNP rs1319969823, ClinGen allele CA357401442.